The following is an entry in ClinVar:

ClinVar aggregate classification (germline): Uncertain significance (1 of 4 stars; one submission).

Conditions:
Developmental and epileptic encephalopathy. Identifiers: MedGen C5779964, MONDO:0100620.

Submission:

Labcorp Genetics (formerly Invitae), Labcorp
Classification: Uncertain significance for Early infantile epileptic encephalopathy with suppression bursts. Last evaluated: 2019-12-13. Review status: criteria provided, single submitter. Criteria: Invitae Variant Classification Sherloc (09022015). Collection method: clinical testing. Allele origin: germline.
Comment: This variant results in a copy number gain of the genomic region encompassing exon 1 of the HCN1 gene, which includes the initiator codon. The 5' end of this event is unknown as it extends beyond the assayed region for this gene and therefore may encompass additional genes. The 3' boundary is likely confined to intron 1 of the HCN1 gene. As the precise location of this event is unknown, it may be in tandem or it may be located elsewhere in the genome. This variant has not been reported in the literature in individuals with HCN1-related conditions. In summary, the available evidence is currently insufficient to determine the role of this variant in disease. Therefore, it has been classified as a Variant of Uncertain Significance.

NC_000005.10:g.(?_45695649)_(45696113_?)dup

Gene: HCN1 (hyperpolarization activated cyclic nucleotide gated potassium channel 1; minus strand). Cytogenetic location: 5p12.
Variant type: Duplication.
Identifiers: ClinVar variation 833052 (VCV000833052.3).